The following is an entry in ClinVar:

ClinVar aggregate classification (germline): Likely pathogenic (0 of 4 stars; one submission).

Conditions:
Autosomal dominant intellectual disability-craniofacial anomalies-cardiac defects syndrome (ARTHS). Also called: KAT6A syndrome; Mental retardation, autosomal dominant 32; Arboleda-Tham syndrome. Identifiers: Orphanet 457193, MedGen C4225396, MONDO:0014558, OMIM 616268.

Submission:

Department of Medical Genetics, Yunnan Provincial Key Laboratory for Birth Defects and Genetic Diseases, The First People’s Hospital of Yunnan Province
Classification: Likely pathogenic for Autosomal dominant intellectual disability-craniofacial anomalies-cardiac defects syndrome. Last evaluated: 2021-10-01. Review status: no assertion criteria provided. Collection method: clinical testing. Allele origin: de novo. Inheritance: Autosomal dominant inheritance. Affected: yes. Observed: 1 heterozygote.
Comment: KAT6A mutaiton related development disorders have been reported by several studies. It provides a new mutation site for kat6a related syndrome.

Literature cited by the submitters: DOI 10.1038/s41436-018-0259-2.

NM_006766.5(KAT6A):c.2842C>T (p.Arg948Ter)

Gene: KAT6A (lysine acetyltransferase 6A; minus strand). Cytogenetic location: 8p11.21.
Variant type: single nucleotide variant.
Coding change: c.2842C>T on transcript NM_006766.5 (MANE Select); coding-DNA position 2842, C replaced by T.
Protein change: p.Arg948Ter; replaces arginine 948 with a stop codon.
Molecular consequence: nonsense.
Genome position (GRCh38, 1-based): chr8:41,941,039, G>A on the plus strand (C>T on the coding strand, the complement: KAT6A is on the minus strand). VCF-style: chr8-41941039-G-A. GRCh37 (hg19) VCF-style: chr8-41798557-G-A.
Other names: short protein forms R948*.
Identifiers: ClinVar variation 1300149 (VCV001300149.2), dbSNP rs1211232252, ClinGen allele CA371071539.